The following is an entry in ClinVar:

NM_001136157.2(OTUD5):c.1552dup (p.Ile518fs)

Gene: OTUD5 (OTU deubiquitinase 5; minus strand). Cytogenetic location: Xp11.23.
Variant type: Duplication.
Coding change: c.1552dup on transcript NM_001136157.2 (MANE Select); coding-DNA position 1552, one base duplicated (A; older notation c.1552dupA).
Protein change: p.Ile518fs; shifts the reading frame from isoleucine 518.
Molecular consequence: frameshift variant.
Genome position (GRCh38, 1-based): chrX:48,923,660, T duplicated on the plus strand (A on the coding strand, the reverse complement: OTUD5 is on the minus strand). VCF-style (leftmost placement, unchanged base first): chrX-48923659-A-AT. GRCh37 (hg19) VCF-style: chrX-48780936-A-AT.
Other names: c.1552dup, p.Ile518fs (NM_001136158.2); c.901dup, p.Ile301fs (NM_001136159.2); c.1567dup, p.Ile523fs (NM_017602.4); short protein forms I523fs, I301fs, I518fs.
Identifiers: ClinVar variation 2231015 (VCV002231015.3), dbSNP rs2519708418, ClinGen allele CA2580101055.

ClinVar aggregate classification (germline): Uncertain significance (1 of 4 stars; one submission).

Conditions:
Inborn genetic diseases. Identifiers: MedGen C0950123, MeSH D030342.

Submission:

Ambry Genetics
Classification: Uncertain significance for Inborn genetic diseases. Last evaluated: 2024-06-20. Review status: criteria provided, single submitter. Criteria: Ambry Variant Classification Scheme 2023. Collection method: clinical testing. Allele origin: germline.
Comment: The c.1567dupA (p.I523Nfs*13) alteration, located in coding exon 8 of the OTUD5 gene, consists of a duplication of A at position 1567, causing a translational frameshift with a predicted alternate stop codon after 13 amino acids. This alteration occurs at the 3' terminus of the OTUD5 gene, is not expected to trigger nonsense-mediated mRNA decay, and only impacts the last 8.5% of the protein. The exact functional effect of this alteration is unknown. Based on data from the Genome Aggregation Database (gnomAD), the OTUD5 c.1567dupA alteration was not observed, with coverage at this position. Based on insufficient or conflicting evidence, the clinical significance of this alteration remains unclear.